The following is an entry in ClinVar:

NM_024426.6(WT1):c.783_784+1del

Gene: WT1 (WT1 transcription factor; minus strand). Cytogenetic location: 11p13.
Variant type: Deletion.
Coding change: c.783_784+1del on transcript NM_024426.6 (MANE Select); coding-DNA position 783 through the canonical splice donor site of the intron after coding-DNA position 784, 3 bases deleted (GGG; older notation c.783_784+1delGGG).
Molecular consequence: splice donor variant. On other transcripts: intron variant (2).
Genome position (GRCh38, 1-based): chr11:32,428,496-32,428,498, CCC deleted on the plus strand (GGG on the coding strand, the reverse complement: WT1 is on the minus strand). VCF-style (leftmost placement, unchanged base first): chr11-32428495-ACCC-A. GRCh37 (hg19) VCF-style: chr11-32450041-ACCC-A.
Other names: c.662-440_662-438del (NM_001407050.1, NM_001407047.1); c.783_784+1del (NM_001407048.1, NM_001407049.1, NM_000378.6 and 4 more transcripts); c.21_22+1del (NM_001407051.1); c.132_133+1del (NM_001198552.2, NM_001198551.2).
Identifiers: ClinVar variation 1691932 (VCV001691932.1), dbSNP rs2133074888, ClinGen allele CA2573146215.

ClinVar aggregate classification (germline): Likely pathogenic (1 of 4 stars; one submission).

Conditions:
Hereditary cancer-predisposing syndrome. Also called: Hereditary Cancer Syndrome; Hereditary neoplastic syndrome; Neoplastic Syndromes, Hereditary; Tumor predisposition. Identifiers: Orphanet 140162, MedGen C0027672, MeSH D009386, MONDO:0015356.

Submission:

Sema4
Classification: Likely pathogenic for Hereditary cancer-predisposing syndrome. Last evaluated: 2022-02-01. Review status: criteria provided, single submitter. Criteria: Sema4 Curation Guidelines. Collection method: curation. Allele origin: germline.
Comment: To the best of our knowledge, the WT1 c.768_769+1delGGG variant has not been reported in individuals with WT1-related disease. This variant affects a nucleotide within a consensus splice site of an intron, which may cause exon skipping, intron retention or use of a cryptic splice site. This variant is not reported in the population database Genome Aggregation Database (PMID: 32461654), and has not been reported in ClinVar. Based on the current evidence available, this variant is interpreted as likely pathogenic.